The following is an entry in ClinVar:

NM_020911.2(PLXNA4):c.1722C>T (p.Asn574=)

Gene: PLXNA4 (plexin A4; minus strand). Cytogenetic location: 7q32.3.
Variant type: single nucleotide variant.
Coding change: c.1722C>T on transcript NM_020911.2 (MANE Select); coding-DNA position 1722, C replaced by T.
Protein change: p.Asn574=; no amino-acid change (asparagine 574 retained).
Molecular consequence: synonymous variant.
Genome position (GRCh38, 1-based): chr7:132,228,352, G>A on the plus strand (C>T on the coding strand, the complement: PLXNA4 is on the minus strand). VCF-style: chr7-132228352-G-A. GRCh37 (hg19) VCF-style: chr7-131913111-G-A.
Other names: c.1722C>T, p.Asn574= (NM_001393897.1).
Identifiers: ClinVar variation 3348561 (VCV003348561.1).
Genomic context (GRCh38, chr7:132,228,352, plus strand): 5'-GGGGAGAGTTTTCCTTGCATCCCTGGACCCCACCCCAACCCCCACGACCCTTACCAGCAC[G>A]TTGTACTGAGAGACGGAGATATTGTTGGGATGGACCGTCAGCCGGACACACTGCTTCATC-3'
Protein context (NP_065962.1, residues 564-584): HPNNISVSQY[Asn574=]VLLVLETYNV

ClinVar aggregate classification (germline): Likely benign (0 of 4 stars; one submission).

Conditions:
PLXNA4-related disorder. Also called: PLXNA4-related condition.

gnomAD v4.1: 65 of 1,613,906 alleles (0.004%); highest among the groups gnomAD compares: South Asian, 0.057%; no homozygotes.

Submission:

PreventionGenetics, part of Exact Sciences
Classification: Likely benign for PLXNA4-related condition. Last evaluated: 2024-04-09. Review status: no assertion criteria provided. Collection method: clinical testing. Allele origin: germline.
Comment: This variant is classified as likely benign based on ACMG/AMP sequence variant interpretation guidelines (Richards et al. 2015 PMID: 25741868, with internal and published modifications).